The following is an entry in ClinVar:

ClinVar aggregate classification (germline): Conflicting classifications of pathogenicity. Review status: criteria provided, conflicting classifications (1 of 4 stars). 4 submissions from 4 submitters: Uncertain significance (3); Likely benign (1). Last evaluated 2026-03-31.

Conditions:
Brugada syndrome 5 (BRGDA5). Identifiers: Orphanet 130, Orphanet 871, MedGen C2748541, MONDO:0013015, OMIM 612838.

Allele frequency attached by ClinVar (database versions not stated): gnomAD exomes 0.00002 and 0.00005; gnomAD 0.00003; ExAC 0.00006; TOPMed 0.00006; ESP Exome Variant Server 0.00008.

Submissions (4):

Women's Health and Genetics/Laboratory Corporation of America, LabCorp
Classification: Uncertain significance. Last evaluated: 2026-03-31. Review status: criteria provided, single submitter. Criteria: LabCorp Variant Classification Summary - May 2015. Collection method: clinical testing. Allele origin: germline.
Comment: Variant summary: SCN1B c.478G>A (p.Val160Ile) results in a conservative amino acid change in the encoded protein sequence. Algorithms developed to predict the effect of missense changes on protein structure and function all suggest that this variant is likely to be tolerated. The variant allele was found at a frequency of 5.2e-05 in 250762 control chromosomes. This frequency is not significantly higher than estimated for disease-causing variants in SCN1B, allowing no conclusion about variant significance. c.478G>A has been observed in at least one child that died from a sudden cardiac death, without strong evidence of causality (example: Santori_2015). This report not provide unequivocal conclusions about association of the variant with SCN1B-Related Disorders. To our knowledge, no experimental evidence demonstrating an impact on protein function has been reported. The following publication has been ascertained in the context of this evaluation (PMID: 26272908). ClinVar contains an entry for this variant (Variation ID: 379275). Based on the evidence outlined above, the variant was classified as uncertain significance.

Labcorp Genetics (formerly Invitae), Labcorp
Classification: Uncertain significance for Brugada syndrome 5. Last evaluated: 2025-11-07. Review status: criteria provided, single submitter. Criteria: Invitae Variant Classification Sherloc (09022015). Collection method: clinical testing. Allele origin: germline.
Comment: This sequence change replaces valine, which is neutral and non-polar, with isoleucine, which is neutral and non-polar, at codon 160 of the SCN1B protein (p.Val160Ile). This variant is present in population databases (rs369058711, gnomAD 0.02%). This variant has not been reported in the literature in individuals affected with SCN1B-related conditions. ClinVar contains an entry for this variant (Variation ID: 379275). An algorithm developed to predict the effect of missense changes on protein structure and function (PolyPhen-2) suggests that this variant is likely to be tolerated. In summary, the available evidence is currently insufficient to determine the role of this variant in disease. Therefore, it has been classified as a Variant of Uncertain Significance.

Blueprint Genetics
Classification: Uncertain significance. Last evaluated: 2023-12-28. Review status: criteria provided, single submitter. Criteria: ACMG Guidelines, 2015. Collection method: clinical testing. Allele origin: germline.

GeneDx
Classification: Likely benign. Last evaluated: 2016-08-01. Review status: criteria provided, single submitter. Criteria: GeneDx Variant Classification (06012015). Collection method: clinical testing. Allele origin: germline. Affected: yes.
Comment: This variant is considered likely benign or benign based on one or more of the following criteria: it is a conservative change, it occurs at a poorly conserved position in the protein, it is predicted to be benign by multiple in silico algorithms, and/or has population frequency not consistent with disease.

Literature cited by the submitters: PubMed 26272908 (cited by Women's Health and Genetics/Laboratory Corporation of America, LabCorp).

NM_001037.5(SCN1B):c.448+30G>A

Gene: SCN1B (sodium voltage-gated channel beta subunit 1; plus strand). Cytogenetic location: 19q13.11.
Variant type: single nucleotide variant.
Coding change: c.448+30G>A on transcript NM_001037.5 (MANE Select); 30 bases into the intron after coding-DNA position 448, G replaced by A.
Molecular consequence: intron variant. On other transcripts: missense variant (1).
Genome position (GRCh38, 1-based): chr19:35,033,769, G>A. VCF-style: chr19-35033769-G-A. GRCh37 (hg19) VCF-style: chr19-35524673-G-A.
Other names: c.478G>A, p.Val160Ile (NM_199037.5); c.349+30G>A (NM_001321605.2); short protein forms V160I.
Identifiers: ClinVar variation 379275 (VCV000379275.9), dbSNP rs369058711, ClinGen allele CA9372022.